The following is an entry in ClinVar:

ClinVar aggregate classification (germline): Uncertain significance. Review status: criteria provided, multiple submitters, no conflicts (2 of 4 stars). 5 submissions from 5 submitters: Uncertain significance (5). Last evaluated 2025-12-31.

Conditions:
Autosomal recessive limb-girdle muscular dystrophy type 2J (LGMDR10). Also called: MUSCULAR DYSTROPHY, LIMB-GIRDLE, AUTOSOMAL RECESSIVE 10; Limb-girdle muscular dystrophy, type 2J. Identifiers: Orphanet 140922, MedGen C1837342, MONDO:0012127, OMIM 608807.
Dilated cardiomyopathy 1G (CMD1G). Identifiers: Orphanet 154, MedGen C1858763, MONDO:0011400, OMIM 604145.
Hypertrophic cardiomyopathy 9. Also called: Familial hypertrophic cardiomyopathy 9. Identifiers: MedGen C1861065, MONDO:0013412, OMIM 613765.
Tibial muscular dystrophy (TMD). Also called: Udd Distal Myopathy – Tibial Muscular Dystrophy; Tibial muscular dystrophy, tardive; UDD MYOPATHY. Identifiers: Orphanet 609, MedGen C1838244, MONDO:0010870, OMIM 600334.
Early-onset myopathy with fatal cardiomyopathy (CMYO5). Also called: Salih Myopathy; CONGENITAL MYOPATHY 5 WITH CARDIOMYOPATHY. Identifiers: Orphanet 289377, MedGen C2673677, MONDO:0012714, OMIM 611705. Disease mechanism: loss of function.
Myopathy, myofibrillar, 9, with early respiratory failure (MFM9). Also called: MYOPATHY, PROXIMAL, WITH EARLY RESPIRATORY MUSCLE INVOLVEMENT; Myopathy, distal, with early respiratory failure, autosomal dominant; Hereditary myopathy with early respiratory failure; EDSTROM MYOPATHY. Identifiers: Orphanet 178464, Orphanet 34521, MedGen C1863599, MONDO:0011362, OMIM 603689.

Allele frequency attached by ClinVar (database versions not stated): gnomAD exomes below 0.00001 and 0.00001; gnomAD 0.00001; TOPMed 0.00001.
gnomAD v4.1: 17 of 1,613,736 alleles (0.0011%); highest among the groups gnomAD compares: Admixed American, 0.0033%; no homozygotes.

Submissions (5):

Labcorp Genetics (formerly Invitae), Labcorp
Classification: Uncertain significance for Dilated cardiomyopathy 1G; Autosomal recessive limb-girdle muscular dystrophy type 2J. Last evaluated: 2025-12-31. Review status: criteria provided, single submitter. Criteria: Invitae Variant Classification Sherloc (09022015). Collection method: clinical testing. Allele origin: germline.
Comment: This sequence change replaces threonine, which is neutral and polar, with proline, which is neutral and non-polar, at codon 34393 of the TTN protein (p.Thr34393Pro). This variant is present in population databases (no rsID available, gnomAD 0.003%). This missense change has been observed in individual(s) with sudden cardiac death (PMID: 32917565). ClinVar contains an entry for this variant (Variation ID: 502203). Experimental studies and prediction algorithms are not available or were not evaluated, and the functional significance of this variant is currently unknown. This variant is located in the M band of TTN (PMID: 25589632). Non-truncating variants in this region may be relevant for neuromuscular disorders, but have not been definitively shown to cause cardiomyopathy (PMID: 23975875). In summary, the available evidence is currently insufficient to determine the role of this variant in disease. Therefore, it has been classified as a Variant of Uncertain Significance.

Athena Diagnostics
Classification: Uncertain significance. Last evaluated: 2023-11-08. Review status: criteria provided, single submitter. Criteria: Athena Diagnostics Criteria. Collection method: clinical testing. Allele origin: unknown.
Comment: Available data are insufficient to determine the clinical significance of the variant at this time. The frequency of this variant in the general population is uninformative in assessment of its pathogenicity. Computational tools disagree on the variant's effect on normal protein function.

Fulgent Genetics
Classification: Uncertain significance for Tibial muscular dystrophy; Myopathy, myofibrillar, 9, with early respiratory failure; Dilated cardiomyopathy 1G; Autosomal recessive limb-girdle muscular dystrophy type 2J; Early-onset myopathy with fatal cardiomyopathy; Hypertrophic cardiomyopathy 9. Last evaluated: 2021-09-17. Review status: criteria provided, single submitter. Criteria: ACMG Guidelines, 2015. Collection method: clinical testing. Allele origin: unknown.

Revvity Omics, Revvity
Classification: Uncertain significance. Last evaluated: 2020-07-28. Review status: criteria provided, single submitter. Criteria: ACMG Guidelines, 2015. Collection method: clinical testing. Allele origin: germline.

Eurofins Ntd Llc (ga)
Classification: Uncertain significance. Last evaluated: 2017-05-24. Review status: criteria provided, single submitter. Criteria: EGL Classification Definitions 2015. Collection method: clinical testing. Allele origin: germline. Observed: 1 variant allele, 1 heterozygote.

Literature cited by the submitters: PubMed 32917565 (cited by Labcorp Genetics (formerly Invitae), Labcorp and Athena Diagnostics); PubMed 25589632 (cited by Labcorp Genetics (formerly Invitae), Labcorp and Athena Diagnostics); PubMed 23975875 (cited by Labcorp Genetics (formerly Invitae), Labcorp).

NM_001267550.2(TTN):c.103177A>C (p.Thr34393Pro)

Genes: TTN (titin; minus strand), TTN-AS1 (TTN antisense RNA 1; plus strand). Cytogenetic location: 2q31.2.
Variant type: single nucleotide variant.
Coding change: c.103177A>C on transcript NM_001267550.2 (MANE Select); coding-DNA position 103177, A replaced by C.
Protein change: p.Thr34393Pro; replaces threonine 34393 with proline.
Molecular consequence: missense variant.
Genome position (GRCh38, 1-based): chr2:178,533,438, T>G on the plus strand (A>C on the coding strand, the complement: TTN is on the minus strand). VCF-style: chr2-178533438-T-G. GRCh37 (hg19) VCF-style: chr2-179398165-T-G.
Other names: c.98254A>C, p.Thr32752Pro (NM_001256850.1); c.75982A>C, p.Thr25328Pro (NM_003319.4); c.95473A>C, p.Thr31825Pro (NM_133378.4); c.76357A>C, p.Thr25453Pro (NM_133432.3); c.76558A>C, p.Thr25520Pro (NM_133437.4); c.103177A>C (NM_001267550.1); short protein forms T31825P, T34393P, T32752P, T25328P, T25453P, T25520P.
Identifiers: ClinVar variation 502203 (VCV000502203.17), dbSNP rs947426325, ClinGen allele CA60957488.
Genomic context (GRCh38, chr2:178,533,438, plus strand): 5'-GGATAATTTCAATGTTAGGCCCGAGGGACAGTGGCTGACCATCTTTCTCCCATTTTAATG[T>G]TGGTGGGGGGATGCCAGACACTCTGATCTCAAAGCAGACACTTTGGCCTTCTTGGCATTC-3'
Protein context (NP_001254479.2, residues 34383-34403): EIRVSGIPPP[Thr34393Pro]LKWEKDGQPL